The following is an entry in ClinVar:

NM_138704.4(NSMCE3):c.839C>T (p.Ala280Val)

Genes: ENTREP2 (endosomal transmembrane epsin interactor 2; minus strand), NSMCE3 (NSE3 homolog, SMC5-SMC6 complex component; minus strand). Cytogenetic location: 15q13.1.
Variant type: single nucleotide variant.
Coding change: c.839C>T on transcript NM_138704.4 (MANE Select); coding-DNA position 839, C replaced by T.
Protein change: p.Ala280Val; replaces alanine 280 with valine.
Molecular consequence: missense variant. On other transcripts: intron variant (5).
Genome position (GRCh38, 1-based): chr15:29,268,867, G>A on the plus strand (C>T on the coding strand, the complement: NSMCE3 is on the minus strand). VCF-style: chr15-29268867-G-A. GRCh37 (hg19) VCF-style: chr15-29561071-G-A.
Other names: c.-12-16389C>T (NM_001387217.1, NM_001387215.1, NM_001387216.1); c.277-16389C>T (NM_001387214.1, NM_015307.2); short protein forms A280V.
Identifiers: ClinVar variation 1948438 (VCV001948438.4), dbSNP rs922886426, ClinGen allele CA268359530.

ClinVar aggregate classification (germline): Uncertain significance (1 of 4 stars; one submission).

Allele frequency attached by ClinVar (database versions not stated): gnomAD exomes below 0.00001.
gnomAD v4.1: 7 of 1,614,022 alleles (0.00043%); highest among the groups gnomAD compares: Admixed American, 0.0033%; no homozygotes.

Submission:

Labcorp Genetics (formerly Invitae), Labcorp
Classification: Uncertain significance. Last evaluated: 2021-12-12. Review status: criteria provided, single submitter. Criteria: Invitae Variant Classification Sherloc (09022015). Collection method: clinical testing. Allele origin: germline.
Comment: In summary, the available evidence is currently insufficient to determine the role of this variant in disease. Therefore, it has been classified as a Variant of Uncertain Significance. Algorithms developed to predict the effect of missense changes on protein structure and function (SIFT, PolyPhen-2, Align-GVGD) all suggest that this variant is likely to be tolerated. This variant has not been reported in the literature in individuals affected with NSMCE3-related conditions. This variant is present in population databases (no rsID available, gnomAD 0.003%). This sequence change replaces alanine, which is neutral and non-polar, with valine, which is neutral and non-polar, at codon 280 of the NSMCE3 protein (p.Ala280Val).